The following is an entry in ClinVar:

NM_005359.6(SMAD4):c.685C>T (p.Leu229=)

Gene: SMAD4 (SMAD family member 4; plus strand). Cytogenetic location: 18q21.2.
Variant type: single nucleotide variant.
Coding change: c.685C>T on transcript NM_005359.6 (MANE Select); coding-DNA position 685, C replaced by T.
Protein change: p.Leu229=; no amino-acid change (leucine 229 retained).
Molecular consequence: synonymous variant.
Genome position (GRCh38, 1-based): chr18:51,058,142, C>T. VCF-style: chr18-51058142-C-T. GRCh37 (hg19) VCF-style: chr18-48584512-C-T.
Identifiers: ClinVar variation 705474 (VCV000705474.14), dbSNP rs901210743, ClinGen allele CA300086288.

ClinVar aggregate classification (germline): Benign/Likely benign. Review status: criteria provided, multiple submitters, no conflicts (2 of 4 stars). 3 submissions from 3 submitters: Benign (1); Likely benign (2). Last evaluated 2025-08-03.

Conditions:
Hereditary cancer-predisposing syndrome. Also called: Hereditary neoplastic syndrome; Neoplastic Syndromes, Hereditary; Tumor predisposition; Hereditary Cancer Syndrome. Identifiers: Orphanet 140162, MedGen C0027672, MeSH D009386, MONDO:0015356.
Familial thoracic aortic aneurysm and aortic dissection (TAAD). Also called: Thoracic aortic aneurysms and dissections. Identifiers: Orphanet 91387, MedGen C4707243, MONDO:0019625.
Juvenile polyposis syndrome (JPS). Identifiers: Orphanet 2929, MedGen C0345893, MONDO:0017380, OMIM 174900.
Juvenile polyposis/hereditary hemorrhagic telangiectasia syndrome (JPHT). Also called: Juvenile Polyposis Syndrome / Hereditary Hemorrhagic Telangiectasia (JPS/HHT); JP/HHT SYNDROME; JUVENILE POLYPOSIS WITH HEREDITARY HEMORRHAGIC TELANGIECTASIA; POLYPOSIS, GENERALIZED JUVENILE, WITH PULMONARY ARTERIOVENOUS MALFORMATION; TELANGIECTASIA, HEREDITARY HEMORRHAGIC, WITH JUVENILE POLYPOSIS COLI. Identifiers: Orphanet 2929, MedGen C1832942, MONDO:0008278, OMIM 175050.

Submissions (3):

Labcorp Genetics (formerly Invitae), Labcorp
Classification: Likely benign for Juvenile polyposis syndrome. Last evaluated: 2025-08-03. Review status: criteria provided, single submitter. Criteria: Invitae Variant Classification Sherloc (09022015). Collection method: clinical testing. Allele origin: germline.

Myriad Genetics, Inc.
Classification: Benign for Juvenile polyposis/hereditary hemorrhagic telangiectasia syndrome. Last evaluated: 2025-03-19. Review status: criteria provided, single submitter. Criteria: Myriad Autosomal Dominant, Autosomal Recessive and X-Linked Classification Criteria (2023). Collection method: clinical testing. Allele origin: unknown.
Comment: This variant is considered benign. This variant is a silent/synonymous amino acid change and it is not expected to impact splicing.

Ambry Genetics
Classification: Likely benign for Hereditary cancer-predisposing syndrome; Familial thoracic aortic aneurysm and aortic dissection. Last evaluated: 2022-05-13. Review status: criteria provided, single submitter. Criteria: Ambry Variant Classification Scheme 2023. Collection method: clinical testing. Allele origin: germline.